The following is an entry in ClinVar:

ClinVar aggregate classification (germline): Likely benign. Review status: criteria provided, multiple submitters, no conflicts (2 of 4 stars). 4 submissions from 4 submitters: Likely benign (4). Last evaluated 2025-07-21.

Conditions:
HECW2-related disorder. Also called: HECW2-related condition.

Allele frequency attached by ClinVar (database versions not stated): ExAC 0.00019; TOPMed 0.00020; gnomAD 0.00021; ESP Exome Variant Server 0.00023; gnomAD exomes 0.00027 and 0.00040.
gnomAD v4.1: 618 of 1,614,068 alleles (0.038%); highest among the groups gnomAD compares: Admixed American, 0.043%; 1 homozygote.

Submissions (4):

PreventionGenetics, part of Exact Sciences
Classification: Likely benign for HECW2-related condition. Last evaluated: 2025-07-21. Review status: criteria provided, single submitter. Criteria: ACMG Guidelines, 2015. Collection method: clinical testing. Allele origin: germline.
Comment: This variant is classified as likely benign based on ACMG/AMP sequence variant interpretation guidelines (Richards et al. 2015 PMID: 25741868, with internal and published modifications).

Blueprint Genetics
Classification: Likely benign. Last evaluated: 2024-11-07. Review status: criteria provided, single submitter. Criteria: ACMG Guidelines, 2015. Collection method: clinical testing. Allele origin: germline.

CeGaT Center for Human Genetics Tuebingen
Classification: Likely benign. Last evaluated: 2024-06-01. Review status: criteria provided, single submitter. Criteria: CeGaT Center For Human Genetics Tuebingen Variant Classification Criteria Version 2. Collection method: clinical testing. Allele origin: germline. Affected: yes. Observed: 1 variant allele.
Comment: HECW2: BP4, BP7

Labcorp Genetics (formerly Invitae), Labcorp
Classification: Likely benign. Last evaluated: 2019-01-02. Review status: criteria provided, single submitter. Criteria: Invitae Variant Classification Sherloc (09022015). Collection method: clinical testing. Allele origin: germline.

NM_001348768.2(HECW2):c.3579C>T (p.Phe1193=)

Gene: HECW2 (HECT, C2 and WW domain containing E3 ubiquitin protein ligase 2; minus strand). Cytogenetic location: 2q32.3.
Variant type: single nucleotide variant.
Coding change: c.3579C>T on transcript NM_001348768.2 (MANE Select); coding-DNA position 3579, C replaced by T.
Protein change: p.Phe1193=; no amino-acid change (phenylalanine 1193 retained).
Molecular consequence: synonymous variant.
Genome position (GRCh38, 1-based): chr2:196,242,155, G>A on the plus strand (C>T on the coding strand, the complement: HECW2 is on the minus strand). VCF-style: chr2-196242155-G-A. GRCh37 (hg19) VCF-style: chr2-197106879-G-A.
Other names: c.2511C>T, p.Phe837= (NM_001304840.3); c.3579C>T, p.Phe1193= (NM_020760.4).
Identifiers: ClinVar variation 740565 (VCV000740565.23), dbSNP rs146564746, ClinGen allele CA2037705.
Genomic context (GRCh38, chr2:196,242,155, plus strand): 5'-TGGGCCTTGTCCATATCCTTTAGTCTCTAACTTCCTGTAAAAGTTCCTCAGTTTGGCTTC[G>A]AAATCCCGCTTGTAAGGGGCTGGAGCCCGGGCATTGGCACGCTGGGTACCTGCAGCAAAC-3'
Protein context (NP_001335697.1, residues 1183-1203): ARAPAPYKRD[Phe1193=]EAKLRNFYRK